The following is an entry in ClinVar:

NM_005458.8(GABBR2):c.732G>A (p.Lys244=)

Genes: GABBR2 (gamma-aminobutyric acid type B receptor subunit 2; minus strand), LOC126860700 (CDK7 strongly-dependent group 2 enhancer GRCh37_chr9:101257622-101258821; plus strand). Cytogenetic location: 9q22.33.
Variant type: single nucleotide variant.
Coding change: c.732G>A on transcript NM_005458.8 (MANE Select); coding-DNA position 732, G replaced by A.
Protein change: p.Lys244=; no amino-acid change (lysine 244 retained).
Molecular consequence: synonymous variant.
Genome position (GRCh38, 1-based): chr9:98,496,413, C>T on the plus strand (G>A on the coding strand, the complement: GABBR2 is on the minus strand). VCF-style: chr9-98496413-C-T. GRCh37 (hg19) VCF-style: chr9-101258695-C-T.
Identifiers: ClinVar variation 4737318 (VCV004737318.1).
Genomic context (GRCh38, chr9:98,496,413, plus strand): 5'-TTTGGGCACCCAGGGCATTGAGATCAGTCTGCCATTCACCCTGTGGCTAGCCACACCTAC[C>T]TTCAGCTTTTTGACACTGGTACAGGGATCGTTGGAGAAGCTCTCGGTGTCTGAAATCTCA-3'
Protein context (NP_005449.5, residues 234-254): NDPCTSVKKL[Lys244=]GNDVRIILGQ

ClinVar aggregate classification (germline): Uncertain significance (1 of 4 stars; one submission).

Conditions:
Epileptic encephalopathy. Identifiers: MedGen C0543888, HP:0200134.

gnomAD v4.1: 5 of 1,595,366 alleles (0.00031%); highest among the groups gnomAD compares: Non-Finnish European, 0.00034%; no homozygotes.

Submission:

Labcorp Genetics (formerly Invitae), Labcorp
Classification: Uncertain significance for Epileptic encephalopathy. Last evaluated: 2025-07-13. Review status: criteria provided, single submitter. Criteria: Invitae Variant Classification Sherloc (09022015). Collection method: clinical testing. Allele origin: germline.
Comment: This sequence change affects codon 244 of the GABBR2 mRNA. It is a 'silent' change, meaning that it does not change the encoded amino acid sequence of the GABBR2 protein. This variant also falls at the last nucleotide of exon 4, which is part of the consensus splice site for this exon. This variant is present in population databases (no rsID available, gnomAD no frequency). This variant has not been reported in the literature in individuals affected with GABBR2-related conditions. Variants that disrupt the consensus splice site are a relatively common cause of aberrant splicing (PMID: 17576681, 9536098). Algorithms developed to predict the effect of sequence changes on RNA splicing suggest that this variant is not likely to affect RNA splicing. In summary, the available evidence is currently insufficient to determine the role of this variant in disease. Therefore, it has been classified as a Variant of Uncertain Significance.

Literature cited by the submitters: PubMed 17576681; PubMed 9536098.